The following is an entry in ClinVar:

NM_024577.4(SH3TC2):c.313C>T (p.Gln105Ter)

Gene: SH3TC2 (SH3 domain and tetratricopeptide repeats 2; minus strand). Cytogenetic location: 5q32.
Variant type: single nucleotide variant.
Coding change: c.313C>T on transcript NM_024577.4 (MANE Select); coding-DNA position 313, C replaced by T.
Protein change: p.Gln105Ter; replaces glutamine 105 with a stop codon.
Molecular consequence: nonsense.
Genome position (GRCh38, 1-based): chr5:149,044,605, G>A on the plus strand (C>T on the coding strand, the complement: SH3TC2 is on the minus strand). VCF-style: chr5-149044605-G-A. GRCh37 (hg19) VCF-style: chr5-148424168-G-A.
Other names: short protein forms Q105*.
Identifiers: ClinVar variation 3731405 (VCV003731405.1).

ClinVar aggregate classification (germline): Likely pathogenic (1 of 4 stars; one submission).

Conditions:
Charcot-Marie-Tooth disease type 4C (CMT4C). Also called: CHARCOT-MARIE-TOOTH DISEASE, DEMYELINATING, TYPE 4C; SH3TC2-Related Hereditary Motor and Sensory Neuropathy; CHARCOT-MARIE-TOOTH DISEASE, DEMYELINATING, AUTOSOMAL RECESSIVE, TYPE 4C; CMT 4C; Charcot-Marie-Tooth Neuropathy Type 4C (CMT4C). Identifiers: Orphanet 99949, MedGen C1866636, MONDO:0011113, OMIM 601596.

Submission:

Neuberg Centre For Genomic Medicine, NCGM
Classification: Likely pathogenic for Charcot-Marie-Tooth disease type 4C. Last evaluated: 2023-06-22. Review status: criteria provided, single submitter. Criteria: ACMG Guidelines, 2015. Collection method: clinical testing. Allele origin: germline. Inheritance: Autosomal recessive inheritance. Affected: yes.
Comment: The observed stop gained c.313C>T(p.Gln105Ter) variant in SH3TC2 gene has not been reported previously as a pathogenic variant nor as a benign variant, to our knowledge. This variant is absent in gnomAD Exomes. This variant is predicted to cause loss of normal protein function either through protein truncation or nonsense-mediated mRNA decay. Loss of function variants have been previously reported to be disease causing (Sun et al., 2022). Computational evidence (MutationTaster - Disease causing automatic) predicts damaging effect on protein structure and function for this variant. For these reasons, this variant has been classified as Likely Pathogenic.